The following is an entry in ClinVar:

NM_015072.5(TTLL5):c.2268C>T (p.Ile756=)

Gene: TTLL5 (tubulin tyrosine ligase like 5; plus strand). Cytogenetic location: 14q24.3.
Variant type: single nucleotide variant.
Coding change: c.2268C>T on transcript NM_015072.5 (MANE Select); coding-DNA position 2268, C replaced by T.
Protein change: p.Ile756=; no amino-acid change (isoleucine 756 retained).
Molecular consequence: synonymous variant.
Genome position (GRCh38, 1-based): chr14:75,775,615, C>T. VCF-style: chr14-75775615-C-T. GRCh37 (hg19) VCF-style: chr14-76241958-C-T.
Other names: c.2268C>T (NM_015072.4).
Identifiers: ClinVar variation 1092873 (VCV001092873.11), dbSNP rs756125504, ClinGen allele CA7279658.
Genomic context (GRCh38, chr14:75,775,615, plus strand): 5'-TCGACGATTGGCACTTCTGGAACGCAGAAGAATCCTGGCCCACCAGCTGGGTGACTTTAT[C>T]ATTGTATACAACAAGGTAAGTCTTTTTCTGTTAGTCTTGTGCTTTGGATTGCCATACACT-3'
Protein context (NP_055887.3, residues 746-766): RILAHQLGDF[Ile756=]IVYNKETEQM

ClinVar aggregate classification (germline): Likely benign. Review status: criteria provided, multiple submitters, no conflicts (2 of 4 stars). 3 submissions from 3 submitters: Likely benign (3). Last evaluated 2026-05-12.

Conditions:
TTLL5-related disorder. Also called: TTLL5-related condition.

Allele frequency attached by ClinVar (database versions not stated): ExAC 0.00001; gnomAD exomes 0.00001.
gnomAD v4.1: 12 of 1,614,056 alleles (0.00074%); highest among the groups gnomAD compares: Middle Eastern, 0.017%; no homozygotes.

Submissions (3):

PreventionGenetics, part of Exact Sciences
Classification: Likely benign for TTLL5-related condition. Last evaluated: 2026-05-12. Review status: criteria provided, single submitter. Criteria: ACMG Guidelines, 2015. Collection method: clinical testing. Allele origin: germline.
Comment: This variant is classified as likely benign based on ACMG/AMP sequence variant interpretation guidelines (Richards et al. 2015 PMID: 25741868, with internal and published modifications).

Labcorp Genetics (formerly Invitae), Labcorp
Classification: Likely benign. Last evaluated: 2025-09-28. Review status: criteria provided, single submitter. Criteria: Invitae Variant Classification Sherloc (09022015). Collection method: clinical testing. Allele origin: germline.

Blueprint Genetics
Classification: Likely benign. Last evaluated: 2023-08-21. Review status: criteria provided, single submitter. Criteria: ACMG Guidelines, 2015. Collection method: clinical testing. Allele origin: germline.